The following is an entry in ClinVar:

ClinVar aggregate classification (germline): Conflicting classifications of pathogenicity. Review status: criteria provided, conflicting classifications (1 of 4 stars). 2 submissions from 2 submitters: Uncertain significance (1); Likely benign (1). Last evaluated 2025-04-17.

Conditions:
Inborn genetic diseases. Identifiers: MedGen C0950123, MeSH D030342.

Allele frequency attached by ClinVar (database versions not stated): ExAC 0.00001; gnomAD 0.00001; gnomAD exomes 0.00001.
gnomAD v4.1: 14 of 1,612,388 alleles (0.00087%); highest among the groups gnomAD compares: East Asian, 0.013%; no homozygotes.

Submissions (2):

Labcorp Genetics (formerly Invitae), Labcorp
Classification: Uncertain significance. Last evaluated: 2025-04-17. Review status: criteria provided, single submitter. Criteria: Invitae Variant Classification Sherloc (09022015). Collection method: clinical testing. Allele origin: germline.
Comment: This sequence change replaces isoleucine, which is neutral and non-polar, with valine, which is neutral and non-polar, at codon 859 of the MPDZ protein (p.Ile859Val). This variant is present in population databases (rs749307327, gnomAD 0.006%). This variant has not been reported in the literature in individuals affected with MPDZ-related conditions. ClinVar contains an entry for this variant (Variation ID: 1412910). An algorithm developed to predict the effect of missense changes on protein structure and function outputs the following: PolyPhen-2: "Benign". The valine amino acid residue is found in multiple mammalian species, which suggests that this missense change does not adversely affect protein function. In summary, the available evidence is currently insufficient to determine the role of this variant in disease. Therefore, it has been classified as a Variant of Uncertain Significance.

Ambry Genetics
Classification: Likely benign for Inborn genetic diseases. Last evaluated: 2023-07-19. Review status: criteria provided, single submitter. Criteria: Ambry Variant Classification Scheme 2023. Collection method: clinical testing. Allele origin: germline.

NM_001378778.1(MPDZ):c.2575A>G (p.Ile859Val)

Gene: MPDZ (multiple PDZ domain crumbs cell polarity complex component; minus strand). Cytogenetic location: 9p23.
Variant type: single nucleotide variant.
Coding change: c.2575A>G on transcript NM_001378778.1 (MANE Select); coding-DNA position 2575, A replaced by G.
Protein change: p.Ile859Val; replaces isoleucine 859 with valine.
Molecular consequence: missense variant.
Genome position (GRCh38, 1-based): chr9:13,183,492, T>C on the plus strand (A>G on the coding strand, the complement: MPDZ is on the minus strand). VCF-style: chr9-13183492-T-C. GRCh37 (hg19) VCF-style: chr9-13183491-T-C.
Other names: c.2575A>G, p.Ile859Val (NM_001261406.2, NM_001261407.2, NM_001330637.2 and 14 more transcripts); c.2575A>G (NM_003829.3); short protein forms I859V.
Identifiers: ClinVar variation 1412910 (VCV001412910.9), dbSNP rs749307327, ClinGen allele CA4987414.